The following is an entry in ClinVar:

ClinVar aggregate classification (germline): Pathogenic (1 of 4 stars; one submission).

Conditions:
Fanconi anemia (FA). Also called: Fanconi's anemia. Identifiers: Orphanet 84, MedGen C0015625, MeSH D005199, MONDO:0019391.

Submission:

Labcorp Genetics (formerly Invitae), Labcorp
Classification: Pathogenic for Fanconi anemia. Last evaluated: 2024-01-25. Review status: criteria provided, single submitter. Criteria: Invitae Variant Classification Sherloc (09022015). Collection method: clinical testing. Allele origin: germline.
Comment: This sequence change creates a premature translational stop signal (p.Tyr692*) in the FANCM gene. It is expected to result in an absent or disrupted protein product. Loss-of-function variants in FANCM are known to be pathogenic (PMID: 29895858, 30075111). This variant is not present in population databases (gnomAD no frequency). This variant has not been reported in the literature in individuals affected with FANCM-related conditions. For these reasons, this variant has been classified as Pathogenic.

Literature cited by the submitters: PubMed 29895858; PubMed 30075111.

NM_020937.4(FANCM):c.2076T>A (p.Tyr692Ter)

Gene: FANCM (FA complementation group M; plus strand). Cytogenetic location: 14q21.2.
Variant type: single nucleotide variant.
Coding change: c.2076T>A on transcript NM_020937.4 (MANE Select); coding-DNA position 2076, T replaced by A.
Protein change: p.Tyr692Ter; replaces tyrosine 692 with a stop codon.
Molecular consequence: nonsense.
Genome position (GRCh38, 1-based): chr14:45,170,662, T>A. VCF-style: chr14-45170662-T-A. GRCh37 (hg19) VCF-style: chr14-45639865-T-A.
Other names: c.1998T>A, p.Tyr666Ter (NM_001308133.2); short protein forms Y666*, Y692*.
Identifiers: ClinVar variation 3020529 (VCV003020529.3), dbSNP rs2503163014, ClinGen allele CA389596047.